The following is an entry in ClinVar:

NM_002473.6(MYH9):c.1473G>A (p.Glu491=)

Gene: MYH9 (myosin heavy chain 9; minus strand). Cytogenetic location: 22q12.3.
Variant type: single nucleotide variant.
Coding change: c.1473G>A on transcript NM_002473.6 (MANE Select); coding-DNA position 1473, G replaced by A.
Protein change: p.Glu491=; no amino-acid change (glutamic acid 491 retained).
Molecular consequence: synonymous variant.
Genome position (GRCh38, 1-based): chr22:36,314,226, C>T on the plus strand (G>A on the coding strand, the complement: MYH9 is on the minus strand). VCF-style: chr22-36314226-C-T. GRCh37 (hg19) VCF-style: chr22-36710271-C-T.
Identifiers: ClinVar variation 722983 (VCV000722983.12), dbSNP rs141006061, ClinGen allele CA10210277.
Genomic context (GRCh38, chr22:36,314,226, plus strand): 5'-GCAGGGCTGCAGGTCGAGGCCAAAGTCGATGAAGTTCCACTCGATGCCCTCGCGCTGGTA[C>T]TCCTCCTGCTCCAGGATGAACATGGTGTGGTTGAAGAGCTGCTGCAGCTTCTCATTGGTG-3'
Protein context (NP_002464.1, residues 481-501): NHTMFILEQE[Glu491=]YQREGIEWNF

ClinVar aggregate classification (germline): Likely benign. Review status: criteria provided, multiple submitters, no conflicts (2 of 4 stars). 4 submissions from 4 submitters: Likely benign (3). 1 of the submissions does not count toward it. Last evaluated 2025-12-08.

Conditions:
MYH9-related disorder. Identifiers: MedGen C1854520.

Allele frequency attached by ClinVar (database versions not stated): gnomAD exomes 0.00002 and 0.00006; ExAC 0.00006; gnomAD 0.00020 and 0.00023; TOPMed 0.00025; ESP Exome Variant Server 0.00038.
gnomAD v4.1: 68 of 1,614,262 alleles (0.0042%); highest among the groups gnomAD compares: African/African-American, 0.053%; no homozygotes.

Submissions (4):

Women's Health and Genetics/Laboratory Corporation of America, LabCorp
Classification: Likely benign. Last evaluated: 2025-12-08. Review status: criteria provided, single submitter. Criteria: LabCorp Variant Classification Summary - May 2015. Collection method: clinical testing. Allele origin: germline.

Labcorp Genetics (formerly Invitae), Labcorp
Classification: Likely benign. Last evaluated: 2025-10-09. Review status: criteria provided, single submitter. Criteria: Invitae Variant Classification Sherloc (09022015). Collection method: clinical testing. Allele origin: germline.

GeneDx
Classification: Likely benign. Last evaluated: 2019-08-28. Review status: criteria provided, single submitter. Criteria: GeneDx Variant Classification Process June 2021. Collection method: clinical testing. Allele origin: germline. Affected: yes.

PreventionGenetics, part of Exact Sciences
Classification: Likely benign for MYH9-related condition. Last evaluated: 2022-09-09. Review status: no assertion criteria provided. Collection method: clinical testing. Allele origin: germline. Not counted in ClinVar's aggregate classification.
Comment: This variant is classified as likely benign based on ACMG/AMP sequence variant interpretation guidelines (Richards et al. 2015 PMID: 25741868, with internal and published modifications).